The following is an entry in ClinVar:

ClinVar aggregate classification (germline): Pathogenic/Likely pathogenic. Review status: criteria provided, multiple submitters, no conflicts (2 of 4 stars). 3 submissions from 3 submitters: Pathogenic (1); Likely pathogenic (1). 1 of the submissions does not count toward it. Last evaluated 2024-12-17.

Conditions:
UGT1A1-related disorder. Also called: UGT1A1-related condition; UGT1A1-related disorders.
Crigler-Najjar syndrome. Identifiers: Orphanet 205, MedGen C5551003, MONDO:0009044.

Allele frequency attached by ClinVar (database versions not stated): TOPMed 0.00001; ESP Exome Variant Server 0.00008.
gnomAD v4.1: 8 of 1,614,044 alleles (0.0005%); highest among the groups gnomAD compares: South Asian, 0.0011%; no homozygotes.

Submissions (3):

PreventionGenetics, part of Exact Sciences
Classification: Likely pathogenic for UGT1A1-related condition. Last evaluated: 2024-12-17. Review status: criteria provided, single submitter. Criteria: ACMG Guidelines, 2015. Collection method: clinical testing. Allele origin: germline.
Comment: The UGT1A1 c.1184G>T variant is predicted to result in the amino acid substitution p.Gly395Val. This variant was reported, in the homozygous state or in the heterozygous state with another possible causative variant, in individuals with Crigler-Najjar syndrome 1 (Servedio et al. 2005. PubMed ID: 15712364; D'Antiga et al. 2023. PubMed ID: 37585628; D'Apolito et al. 2007. PubMed ID: 17229650). An in vitro functional study suggests that the p.Gly395Val change results in loss of activity (Sneitz et al. 2010. PubMed ID: 19830808). This variant is reported in 0.0033% of alleles in individuals of South Asian descent in gnomAD. This variant is interpreted as likely pathogenic.

Women's Health and Genetics/Laboratory Corporation of America, LabCorp
Classification: Pathogenic for Crigler-Najjar syndrome. Last evaluated: 2024-11-22. Review status: criteria provided, single submitter. Criteria: LabCorp Variant Classification Summary - May 2015. Collection method: clinical testing. Allele origin: germline.
Comment: Variant summary: UGT1A1 c.1184G>T (p.Gly395Val) results in a non-conservative amino acid change in the encoded protein sequence. Three of five in-silico tools predict a damaging effect of the variant on protein function. The variant allele was found at a frequency of 1.6e-05 in 249056 control chromosomes (gnomAD). c.1184G>T has been reported in the literature in individuals affected with Crigler-Najjar syndrome (Servedio_2005, D Apolito_2007). These data indicate that the variant is likely to be associated with disease. At least one publication reports experimental evidence evaluating an impact on protein function and this variant disrupt protein function (Sneitz_2010). The following publications have been ascertained in the context of this evaluation (PMID: 17229650, 15712364, 19830808). ClinVar contains an entry for this variant (Variation ID: 2502841). Based on the evidence outlined above, the variant was classified as pathogenic.

Immunology and Liver Gene Transfer, Genethon
Classification: Pathogenic for Crigler-Najjar syndrome. Review status: no assertion criteria provided. Collection method: clinical testing. Allele origin: unknown. Inheritance: Autosomal recessive inheritance. Affected: yes. Not counted in ClinVar's aggregate classification.

Literature cited by the submitters: PubMed 15712364 (cited by Women's Health and Genetics/Laboratory Corporation of America, LabCorp); PubMed 17229650 (cited by Women's Health and Genetics/Laboratory Corporation of America, LabCorp and Immunology and Liver Gene Transfer, Genethon); PubMed 19830808 (cited by Women's Health and Genetics/Laboratory Corporation of America, LabCorp).

NM_000463.3(UGT1A1):c.1184G>T (p.Gly395Val)

Genes: UGT1A6 (UDP glucuronosyltransferase family 1 member A6; plus strand), UGT1A5 (UDP glucuronosyltransferase family 1 member A5; plus strand), UGT1A (UDP glucuronosyltransferase family 1 member A complex locus; plus strand), UGT1A1 (UDP glucuronosyltransferase family 1 member A1; plus strand), UGT1A10 (UDP glucuronosyltransferase family 1 member A10; plus strand) and 5 more. Cytogenetic location: 2q37.1.
Variant type: single nucleotide variant.
Coding change: c.1184G>T on transcript NM_000463.3 (MANE Select); coding-DNA position 1184, G replaced by T.
Protein change: p.Gly395Val; replaces glycine 395 with valine.
Molecular consequence: missense variant.
Genome position (GRCh38, 1-based): chr2:233,768,319, G>T. VCF-style: chr2-233768319-G-T. GRCh37 (hg19) VCF-style: chr2-234676965-G-T.
Other names: c.1175G>T, p.Gly392Val (NM_019077.3, NM_021027.3, NM_019075.4 and 1 more transcripts); c.1181G>T, p.Gly394Val (NM_001072.4); c.380G>T, p.Gly127Val (NM_205862.3); c.1187G>T, p.Gly396Val (NM_019078.2, NM_007120.3, NM_019093.4); short protein forms G127V, G392V, G394V, G395V, G396V.
Identifiers: ClinVar variation 2502841 (VCV002502841.3), dbSNP rs367897068, ClinGen allele CA2180025.